The following is an entry in ClinVar:

ClinVar aggregate classification (germline): Conflicting classifications of pathogenicity. Review status: criteria provided, conflicting classifications (1 of 4 stars). 2 submissions from 2 submitters: Pathogenic (1); Uncertain significance (1). Last evaluated 2024-01-09.

Conditions:
RP1-related disorder. Also called: RP1-related condition.

Allele frequency attached by ClinVar (database versions not stated): TOPMed 0.00002; ExAC 0.00006; ESP Exome Variant Server 0.00008.
gnomAD v4.1: 80 of 1,613,894 alleles (0.005%); highest among the groups gnomAD compares: Non-Finnish European, 0.0063%; no homozygotes.

Submissions (2):

Blueprint Genetics
Classification: Pathogenic for RP1-related disorders. Last evaluated: 2024-01-09. Review status: criteria provided, single submitter. Criteria: ACMG Guidelines, 2015. Collection method: clinical testing. Allele origin: germline. Affected: yes. Observed: 5 variant alleles.

Labcorp Genetics (formerly Invitae), Labcorp
Classification: Uncertain significance. Last evaluated: 2023-08-23. Review status: criteria provided, single submitter. Criteria: Invitae Variant Classification Sherloc (09022015). Collection method: clinical testing. Allele origin: germline.
Comment: In summary, the available evidence is currently insufficient to determine the role of this variant in disease. Therefore, it has been classified as a Variant of Uncertain Significance. An algorithm developed to predict the effect of missense changes on protein structure and function (PolyPhen-2) suggests that this variant is likely to be disruptive. ClinVar contains an entry for this variant (Variation ID: 958207). This missense change has been observed in individual(s) with autosomal recessive retinitis pigmentosa (PMID: 32565670, 33851411). In at least one individual the data is consistent with being in trans (on the opposite chromosome) from a pathogenic variant. This variant is present in population databases (rs148346976, gnomAD 0.008%). This sequence change replaces proline, which is neutral and non-polar, with arginine, which is basic and polar, at codon 164 of the RP1 protein (p.Pro164Arg).

Literature cited by the submitters: PubMed 32565670 (cited by Labcorp Genetics (formerly Invitae), Labcorp); PubMed 33851411 (cited by Labcorp Genetics (formerly Invitae), Labcorp).

NM_006269.2(RP1):c.491C>G (p.Pro164Arg)

Gene: RP1 (RP1 axonemal microtubule associated; plus strand). Cytogenetic location: 8q12.1.
Variant type: single nucleotide variant.
Coding change: c.491C>G on transcript NM_006269.2 (MANE Select); coding-DNA position 491, C replaced by G.
Protein change: p.Pro164Arg; replaces proline 164 with arginine.
Molecular consequence: missense variant.
Genome position (GRCh38, 1-based): chr8:54,621,457, C>G. VCF-style: chr8-54621457-C-G. GRCh37 (hg19) VCF-style: chr8-55534017-C-G.
Other names: c.491C>G, p.Pro164Arg (NM_001375654.1); short protein forms P164R.
Identifiers: ClinVar variation 958207 (VCV000958207.10), dbSNP rs148346976, ClinGen allele CA4751180.